The following is an entry in ClinVar:

ClinVar aggregate classification (germline): Uncertain significance (1 of 4 stars; one submission).

Submission:

GeneDx
Classification: Uncertain significance. Last evaluated: 2023-03-08. Review status: criteria provided, single submitter. Criteria: GeneDx Variant Classification Process June 2021. Collection method: clinical testing. Allele origin: germline. Affected: yes.
Comment: Not observed at significant frequency in large population cohorts (gnomAD); In silico analysis supports that this missense variant has a deleterious effect on protein structure/function; Has not been previously published as pathogenic or benign to our knowledge

NM_013275.6(ANKRD11):c.203G>T (p.Gly68Val)

Gene: ANKRD11 (ankyrin repeat domain containing 11; minus strand). Cytogenetic location: 16q24.3.
Variant type: single nucleotide variant.
Coding change: c.203G>T on transcript NM_013275.6 (MANE Select); coding-DNA position 203, G replaced by T.
Protein change: p.Gly68Val; replaces glycine 68 with valine.
Molecular consequence: missense variant. On other transcripts: non-coding transcript variant (1).
Genome position (GRCh38, 1-based): chr16:89,305,229, C>A on the plus strand (G>T on the coding strand, the complement: ANKRD11 is on the minus strand). VCF-style: chr16-89305229-C-A. GRCh37 (hg19) VCF-style: chr16-89371637-C-A.
Other names: c.203G>T, p.Gly68Val (NM_001256182.2, NM_001256183.2); short protein forms G68V.
Identifiers: ClinVar variation 2579452 (VCV002579452.1), dbSNP rs2036114115, ClinGen allele CA397163975.